The following is an entry in ClinVar:

ClinVar aggregate classification (germline): Pathogenic (1 of 4 stars; one submission).

Submission:

Labcorp Genetics (formerly Invitae), Labcorp
Classification: Pathogenic. Last evaluated: 2025-06-12. Review status: criteria provided, single submitter. Criteria: Invitae Variant Classification Sherloc (09022015). Collection method: clinical testing. Allele origin: germline.
Comment: This sequence change creates a premature translational stop signal (p.Ser286Tyrfs*25) in the DZIP1L gene. It is expected to result in an absent or disrupted protein product. Loss-of-function variants in DZIP1L are known to be pathogenic (PMID: 28530676). This variant is present in population databases (rs762512213, gnomAD 0.009%). This variant has not been reported in the literature in individuals affected with DZIP1L-related conditions. For these reasons, this variant has been classified as Pathogenic.

Literature cited by the submitters: PubMed 28530676.

NM_173543.3(DZIP1L):c.857_858del (p.Ser286fs)

Gene: DZIP1L (DAZ interacting zinc finger protein 1 like; minus strand). Cytogenetic location: 3q22.3.
Variant type: Microsatellite.
Coding change: c.857_858del on transcript NM_173543.3 (MANE Select); coding-DNA positions 857 to 858, 2 bases deleted (CT; older notation c.857_858delCT).
Protein change: p.Ser286fs; shifts the reading frame from serine 286.
Molecular consequence: frameshift variant.
Genome position (GRCh38, 1-based): chr3:138,092,395-138,092,396, AG deleted on the plus strand (CT on the coding strand, the reverse complement: DZIP1L is on the minus strand); deleting any 2 consecutive bases within chr3:138,092,395-138,092,398 gives the same sequence; the c. name uses the placement nearest the transcript's 3' end. VCF-style (leftmost placement, unchanged base first): chr3-138092394-TAG-T. GRCh37 (hg19) VCF-style: chr3-137811236-TAG-T.
Other names: c.857_858del, p.Ser286fs (NM_001170538.1); short protein forms S286fs.
Identifiers: ClinVar variation 3620656 (VCV003620656.2).